The following is an entry in ClinVar:

NM_020376.4(PNPLA2):c.80C>T (p.Ser27Phe)

Genes: PNPLA2 (patatin like domain 2, triacylglycerol lipase; plus strand), LOC130005097 (ATAC-STARR-seq lymphoblastoid silent region 3036; plus strand). Cytogenetic location: 11p15.5.
Variant type: single nucleotide variant.
Coding change: c.80C>T on transcript NM_020376.4 (MANE Select); coding-DNA position 80, C replaced by T.
Protein change: p.Ser27Phe; replaces serine 27 with phenylalanine.
Molecular consequence: missense variant.
Genome position (GRCh38, 1-based): chr11:819,798, C>T. VCF-style: chr11-819798-C-T. GRCh37 (hg19) VCF-style: chr11-819798-C-T.
Other names: short protein forms S27F.
Identifiers: ClinVar variation 1055938 (VCV001055938.8), dbSNP rs773058474, ClinGen allele CA5790901.

ClinVar aggregate classification (germline): Uncertain significance. Review status: criteria provided, multiple submitters, no conflicts (2 of 4 stars). 2 submissions from 2 submitters: Uncertain significance (2). Last evaluated 2023-11-06.

Conditions:
Neutral lipid storage myopathy (NLSDM). Also called: NEUTRAL LIPID STORAGE DISEASE WITHOUT ICHTHYOSIS. Identifiers: Orphanet 98908, MedGen C1853136, MONDO:0012545, OMIM 610717.

Allele frequency attached by ClinVar (database versions not stated): TOPMed 0.00001; gnomAD exomes 0.00002 and 0.00007; gnomAD 0.00015 and 0.00016.
gnomAD v4.1: 54 of 1,508,704 alleles (0.0036%); highest among the groups gnomAD compares: South Asian, 0.0025%; 1 homozygote.

Submissions (2):

Blueprint Genetics
Classification: Uncertain significance. Last evaluated: 2023-11-06. Review status: criteria provided, single submitter. Criteria: ACMG Guidelines, 2015. Collection method: clinical testing. Allele origin: germline.

Labcorp Genetics (formerly Invitae), Labcorp
Classification: Uncertain significance for Neutral lipid storage myopathy. Last evaluated: 2022-07-11. Review status: criteria provided, single submitter. Criteria: Invitae Variant Classification Sherloc (09022015). Collection method: clinical testing. Allele origin: germline.
Comment: In summary, the available evidence is currently insufficient to determine the role of this variant in disease. Therefore, it has been classified as a Variant of Uncertain Significance. Algorithms developed to predict the effect of missense changes on protein structure and function are either unavailable or do not agree on the potential impact of this missense change (SIFT: "Deleterious"; PolyPhen-2: "Probably Damaging"; Align-GVGD: "Class C0"). ClinVar contains an entry for this variant (Variation ID: 1055938). This variant has not been reported in the literature in individuals affected with PNPLA2-related conditions. This variant is present in population databases (rs773058474, gnomAD 0.07%). This sequence change replaces serine, which is neutral and polar, with phenylalanine, which is neutral and non-polar, at codon 27 of the PNPLA2 protein (p.Ser27Phe).